The following is an entry in ClinVar:

NM_001035.3(RYR2):c.13643A>G (p.Asp4548Gly)

Gene: RYR2 (ryanodine receptor 2; plus strand). Cytogenetic location: 1q43.
Variant type: single nucleotide variant.
Coding change: c.13643A>G on transcript NM_001035.3 (MANE Select); coding-DNA position 13643, A replaced by G.
Protein change: p.Asp4548Gly; replaces aspartic acid 4548 with glycine.
Molecular consequence: missense variant.
Genome position (GRCh38, 1-based): chr1:237,792,184, A>G. VCF-style: chr1-237792184-A-G. GRCh37 (hg19) VCF-style: chr1-237955484-A-G.
Other names: short protein forms D4548G.
Identifiers: ClinVar variation 1973152 (VCV001973152.6), dbSNP rs2527920084, ClinGen allele CA345417421.

ClinVar aggregate classification (germline): Uncertain significance. Review status: criteria provided, multiple submitters, no conflicts (2 of 4 stars). 2 submissions from 2 submitters: Uncertain significance (2). Last evaluated 2022-09-01.

Conditions:
Cardiovascular phenotype. Identifiers: MedGen CN230736.
Catecholaminergic polymorphic ventricular tachycardia 1. Also called: RYR2-Related Catecholaminergic Polymorphic Ventricular Tachycardia; VENTRICULAR TACHYCARDIA, CATECHOLAMINERGIC POLYMORPHIC, 1, WITH OR WITHOUT ATRIAL DYSFUNCTION AND/OR DILATED CARDIOMYOPATHY; VENTRICULAR TACHYCARDIA, STRESS-INDUCED POLYMORPHIC 1. Identifiers: Orphanet 3286, MedGen C1631597, MONDO:0011484, OMIM 604772.

Submissions (2):

Labcorp Genetics (formerly Invitae), Labcorp
Classification: Uncertain significance for Catecholaminergic polymorphic ventricular tachycardia 1. Last evaluated: 2022-09-01. Review status: criteria provided, single submitter. Criteria: Invitae Variant Classification Sherloc (09022015). Collection method: clinical testing. Allele origin: germline.
Comment: In summary, the available evidence is currently insufficient to determine the role of this variant in disease. Therefore, it has been classified as a Variant of Uncertain Significance. Advanced modeling of protein sequence and biophysical properties (such as structural, functional, and spatial information, amino acid conservation, physicochemical variation, residue mobility, and thermodynamic stability) performed at Invitae indicates that this missense variant is not expected to disrupt RYR2 protein function. This variant has not been reported in the literature in individuals affected with RYR2-related conditions. This variant is not present in population databases (gnomAD no frequency). This sequence change replaces aspartic acid, which is acidic and polar, with glycine, which is neutral and non-polar, at codon 4548 of the RYR2 protein (p.Asp4548Gly).

Ambry Genetics
Classification: Uncertain significance for Cardiovascular phenotype. Last evaluated: 2021-06-11. Review status: criteria provided, single submitter. Criteria: Ambry Variant Classification Scheme 2023. Collection method: clinical testing. Allele origin: germline.
Comment: The c.13643A>G (p.D4548G) alteration is located in exon 94 (coding exon 94) of the RYR2 gene. This alteration results from a A to G substitution at nucleotide position 13643, causing the aspartic acid (D) at amino acid position 4548 to be replaced by a glycine (G). The p.D4548G alteration is predicted to be tolerated by in silico analysis. Based on insufficient or conflicting evidence, the clinical significance of this alteration remains unclear.